The following is an entry in ClinVar:

NM_000212.3(ITGB3):c.1043G>A (p.Ser348Asn)

Gene: ITGB3 (integrin subunit beta 3; plus strand). Cytogenetic location: 17q21.32.
Variant type: single nucleotide variant.
Coding change: c.1043G>A on transcript NM_000212.3 (MANE Select); coding-DNA position 1043, G replaced by A.
Protein change: p.Ser348Asn; replaces serine 348 with asparagine.
Molecular consequence: missense variant.
Genome position (GRCh38, 1-based): chr17:47,290,192, G>A. VCF-style: chr17-47290192-G-A. GRCh37 (hg19) VCF-style: chr17-45367558-G-A.
Other names: p.Ser348Asn; short protein forms S348N.
Identifiers: ClinVar variation 4542186 (VCV004542186.1).

ClinVar aggregate classification (germline): Uncertain significance (1 of 4 stars; one submission).

Submission:

Mayo Clinic Laboratories, Mayo Clinic
Classification: Uncertain significance. Last evaluated: 2025-01-15. Review status: criteria provided, single submitter. Criteria: ACMG Guidelines, 2015. Collection method: clinical testing. Allele origin: germline. Observed: 1 variant allele.
Comment: PM2_supporting